The following is an entry in ClinVar:

ClinVar aggregate classification (germline): Uncertain significance. Review status: criteria provided, multiple submitters, no conflicts (2 of 4 stars). 2 submissions from 2 submitters: Uncertain significance (2). Last evaluated 2025-07-30.

Conditions:
Autosomal recessive limb-girdle muscular dystrophy type 2J (LGMDR10). Also called: Limb-girdle muscular dystrophy, type 2J; MUSCULAR DYSTROPHY, LIMB-GIRDLE, AUTOSOMAL RECESSIVE 10. Identifiers: Orphanet 140922, MedGen C1837342, MONDO:0012127, OMIM 608807.
Dilated cardiomyopathy 1G (CMD1G). Identifiers: Orphanet 154, MedGen C1858763, MONDO:0011400, OMIM 604145.
TTN-related disorder. Also called: TTN-related disorders; TTN-related condition; TTN-related disease.

Allele frequency attached by ClinVar (database versions not stated): TOPMed below 0.00001; gnomAD 0.00001.
gnomAD v4.1: 4 of 1,504,594 alleles (0.00027%); highest among the groups gnomAD compares: Non-Finnish European, 0.00035%; no homozygotes.

Submissions (2):

PreventionGenetics, part of Exact Sciences
Classification: Uncertain significance for TTN-related condition. Last evaluated: 2025-07-30. Review status: criteria provided, single submitter. Criteria: ACMG Guidelines, 2015. Collection method: clinical testing. Allele origin: germline.
Comment: The TTN c.106558G>A variant is predicted to result in the amino acid substitution p.Val35520Ile. To our knowledge, this variant has not been reported in the literature or in a large population database (gnomAD), indicating this variant is rare. At this time, the clinical significance of this variant is uncertain due to the absence of conclusive functional and genetic evidence.

Labcorp Genetics (formerly Invitae), Labcorp
Classification: Uncertain significance for Dilated cardiomyopathy 1G; Autosomal recessive limb-girdle muscular dystrophy type 2J. Last evaluated: 2025-05-04. Review status: criteria provided, single submitter. Criteria: Invitae Variant Classification Sherloc (09022015). Collection method: clinical testing. Allele origin: germline.
Comment: This sequence change replaces valine, which is neutral and non-polar, with isoleucine, which is neutral and non-polar, at codon 35520 of the TTN protein (p.Val35520Ile). This variant is not present in population databases (gnomAD no frequency). This variant has not been reported in the literature in individuals affected with TTN-related conditions. ClinVar contains an entry for this variant (Variation ID: 2064739). An algorithm developed to predict the effect of missense changes on protein structure and function outputs the following: PolyPhen-2: "Not Available". The isoleucine amino acid residue is found in multiple mammalian species, which suggests that this missense change does not adversely affect protein function. This variant is located in the M band of TTN (PMID: 25589632). Non-truncating variants in this region may be relevant for neuromuscular disorders, but have not been definitively shown to cause cardiomyopathy (PMID: 23975875). In summary, the available evidence is currently insufficient to determine the role of this variant in disease. Therefore, it has been classified as a Variant of Uncertain Significance.

Literature cited by the submitters: PubMed 25589632 (cited by Labcorp Genetics (formerly Invitae), Labcorp); PubMed 23975875 (cited by Labcorp Genetics (formerly Invitae), Labcorp).

NM_001267550.2(TTN):c.106558G>A (p.Val35520Ile)

Genes: TTN (titin; minus strand), TTN-AS1 (TTN antisense RNA 1; plus strand). Cytogenetic location: 2q31.2.
Variant type: single nucleotide variant.
Coding change: c.106558G>A on transcript NM_001267550.2 (MANE Select); coding-DNA position 106558, G replaced by A.
Protein change: p.Val35520Ile; replaces valine 35520 with isoleucine.
Molecular consequence: missense variant.
Genome position (GRCh38, 1-based): chr2:178,529,193, C>T on the plus strand (G>A on the coding strand, the complement: TTN is on the minus strand). VCF-style: chr2-178529193-C-T. GRCh37 (hg19) VCF-style: chr2-179393920-C-T.
Other names: c.101635G>A, p.Val33879Ile (NM_001256850.1); c.79363G>A, p.Val26455Ile (NM_003319.4); c.98854G>A, p.Val32952Ile (NM_133378.4); c.79738G>A, p.Val26580Ile (NM_133432.3); c.79939G>A, p.Val26647Ile (NM_133437.4); short protein forms V33879I, V35520I, V26455I, V26580I, V26647I, V32952I.
Identifiers: ClinVar variation 2064739 (VCV002064739.3), dbSNP rs1687884807, ClinGen allele CA349404410.
Genomic context (GRCh38, chr2:178,529,193, plus strand): 5'-TTTCCTCTTGGACAACAGCTTTCTTCTGAGGTGTAATTTCAGAAGTCTTTTGTGTAGAGA[C>T]TTTCTGTGCCTCAGTATCTTTTATAGCTAAAAAAGAAACCTCTGTAAGGCAAACTTAATT-3'
Protein context (NP_001254479.2, residues 35510-35530): KAIKDTEAQK[Val35520Ile]STQKTSEITP